The following is an entry in ClinVar:

ClinVar aggregate classification (germline): Uncertain significance (1 of 4 stars; one submission).

Submission:

Labcorp Genetics (formerly Invitae), Labcorp
Classification: Uncertain significance. Last evaluated: 2024-10-03. Review status: criteria provided, single submitter. Criteria: Invitae Variant Classification Sherloc (09022015). Collection method: clinical testing. Allele origin: germline.
Comment: This sequence change replaces tryptophan, which is neutral and slightly polar, with arginine, which is basic and polar, at codon 160 of the DMXL2 protein (p.Trp160Arg). This variant is present in population databases (rs773730309, gnomAD 0.0009%). This variant has not been reported in the literature in individuals affected with DMXL2-related conditions. An algorithm developed to predict the effect of missense changes on protein structure and function (PolyPhen-2) suggests that this variant is likely to be disruptive. In summary, the available evidence is currently insufficient to determine the role of this variant in disease. Therefore, it has been classified as a Variant of Uncertain Significance.

NM_001378457.1(DMXL2):c.478T>A (p.Trp160Arg)

Gene: DMXL2 (Dmx like 2; minus strand). Cytogenetic location: 15q21.2.
Variant type: single nucleotide variant.
Coding change: c.478T>A on transcript NM_001378457.1 (MANE Select); coding-DNA position 478, T replaced by A.
Protein change: p.Trp160Arg; replaces tryptophan 160 with arginine.
Molecular consequence: missense variant. On other transcripts: non-coding transcript variant (2).
Genome position (GRCh38, 1-based): chr15:51,564,147, A>T on the plus strand (T>A on the coding strand, the complement: DMXL2 is on the minus strand). VCF-style: chr15-51564147-A-T. GRCh37 (hg19) VCF-style: chr15-51856344-A-T.
Other names: c.478T>A, p.Trp160Arg (NM_001174116.3, NM_001174117.3, NM_001378458.1 and 7 more transcripts); short protein forms W160R.
Identifiers: ClinVar variation 3663009 (VCV003663009.2).